The following is an entry in ClinVar:

NM_001394062.1(MACF1):c.3100+1G>T

Gene: MACF1 (microtubule actin crosslinking factor 1; plus strand). Cytogenetic location: 1p34.3.
Variant type: single nucleotide variant.
Coding change: c.3100+1G>T on transcript NM_001394062.1 (MANE Select); the canonical splice donor site of the intron after coding-DNA position 3100, G replaced by T.
Molecular consequence: splice donor variant.
Genome position (GRCh38, 1-based): chr1:39,310,429, G>T. VCF-style: chr1-39310429-G-T. GRCh37 (hg19) VCF-style: chr1-39776101-G-T.
Other names: c.3115+1G>T (NM_012090.5).
Identifiers: ClinVar variation 1700405 (VCV001700405.2), dbSNP rs2148434841, ClinGen allele CA339778951.
Genomic context (GRCh38, chr1:39,310,429, plus strand): 5'-AAGAGGAGGTGGAAGCTTGTAAAGCCCGCTTCCAGCACCTGATGAAGTCCATGGAGAATG[G>T]TGTGTGCACTGGGAAGAGGGAAAGAGAATAGTAGAATGAGAGCCTTTCAAGGGGTTGCTG-3'

ClinVar aggregate classification (germline): Uncertain significance (1 of 4 stars; one submission).

Submission:

GeneDx
Classification: Uncertain significance. Last evaluated: 2022-02-08. Review status: criteria provided, single submitter. Criteria: GeneDx Variant Classification Process June 2021. Collection method: clinical testing. Allele origin: germline. Affected: yes.
Comment: Not observed at significant frequency in large population cohorts (gnomAD); Canonical splice site variant in a gene for which loss-of-function is not a known mechanism of disease; Has not been previously published as pathogenic or benign to our knowledge